The following is an entry in ClinVar:

ClinVar aggregate classification (germline): Uncertain significance (0 of 4 stars; one submission).

Conditions:
Hereditary antithrombin deficiency (AT3D). Also called: Thrombophilia due to antithrombin III deficiency; Antithrombin III deficiency; Reduced antithrombin III activity; Antithrombin deficiency. Identifiers: Orphanet 82, MedGen C0272375, MONDO:0013144, OMIM 613118, HP:0001976.

Submission:

ISTH-SSC Genomics in Thrombosis and Hemostasis, KU Leuven, Center for Molecular and Vascular Biology
Classification: Uncertain significance for Hereditary antithrombin deficiency. Review status: no assertion criteria provided. Collection method: clinical testing. Allele origin: unknown. Affected: yes.
Comment: Submitted to GoldVariant by Bilal Jradeh from Katharine Dormandy Haemophilia and Thrombosis Centre, Royal Free Hospital, London, UK

NM_000488.4(SERPINC1):c.547T>C (p.Ser183Pro)

Gene: SERPINC1 (serpin family C member 1; minus strand). Cytogenetic location: 1q25.1.
Variant type: single nucleotide variant.
Coding change: c.547T>C on transcript NM_000488.4 (MANE Select); coding-DNA position 547, T replaced by C.
Protein change: p.Ser183Pro; replaces serine 183 with proline.
Molecular consequence: missense variant. On other transcripts: intron variant (1).
Genome position (GRCh38, 1-based): chr1:173,911,876, A>G on the plus strand (T>C on the coding strand, the complement: SERPINC1 is on the minus strand). VCF-style: chr1-173911876-A-G. GRCh37 (hg19) VCF-style: chr1-173881014-A-G.
Other names: c.403T>C, p.Ser135Pro (NM_001365052.2); c.547T>C, p.Ser183Pro (NM_001386302.1, NM_001386304.1, NM_001386305.1); c.628T>C, p.Ser210Pro (NM_001386303.1); c.409-985T>C (NM_001386306.1); short protein forms S135P, S183P, S210P.
Identifiers: ClinVar variation 1684313 (VCV001684313.1), dbSNP rs2102785961, ClinGen allele CA343776421.